The following is an entry in ClinVar:

Conditions:
Long QT syndrome 5 (LQT5). Identifiers: Orphanet 101016, Orphanet 768, MedGen C1867904, MONDO:0013372, OMIM 613695.

Submission:

Roden Lab, Vanderbilt University Medical Center
No classification provided (evidence only). Condition: Long QT syndrome 5. Review status: no classification provided. Collection method: in vitro. Allele origin: not applicable. Functional consequence: Effect on ion channel function.
ClinVar note: "not provided" was previously submitted as the classification for the variant. However, the classification appeared to be based only on an observation of functional data so it was converted to no classification on 2025-07-30.

NM_000219.6(KCNE1):c.215A>C (p.Glu72Ala)

Gene: KCNE1 (potassium voltage-gated channel subfamily E regulatory subunit 1; minus strand). Cytogenetic location: 21q22.12.
Variant type: single nucleotide variant.
Coding change: c.215A>C on transcript NM_000219.6 (MANE Select); coding-DNA position 215, A replaced by C.
Protein change: p.Glu72Ala; replaces glutamic acid 72 with alanine.
Molecular consequence: missense variant.
Genome position (GRCh38, 1-based): chr21:34,449,420, T>G on the plus strand (A>C on the coding strand, the complement: KCNE1 is on the minus strand). VCF-style: chr21-34449420-T-G. GRCh37 (hg19) VCF-style: chr21-35821718-T-G.
Other names: c.215A>C, p.Glu72Ala (NM_001127668.4, NM_001127669.4, NM_001127670.4 and 4 more transcripts); short protein forms E72A.
Identifiers: ClinVar variation 3374348 (VCV003374348.2).
Genomic context (GRCh38, chr21:34,449,420, plus strand): 5'-TTGTCCTTCTCTTGCCAGGCATCGGACTCGATGTAGACGTTGAATGGGTCGTTCGAGTGC[T>G]CCAGCTTCTTGGAGCGGATGTAGCTCAGCATGATGCCCAGGGTGAAGAAGCCGAAGAATC-3'
Protein context (NP_000210.2, residues 62-82): MLSYIRSKKL[Glu72Ala]HSNDPFNVYI